The following is an entry in ClinVar:

ClinVar aggregate classification (germline): Conflicting classifications of pathogenicity. Review status: criteria provided, conflicting classifications (1 of 4 stars). 7 submissions from 6 submitters: Uncertain significance (3); Likely benign (4). Last evaluated 2026-07-09.

Conditions:
CC2D2A-related disorder. Also called: CC2D2A-related disorders; CC2D2A-related condition. Identifiers: MedGen CN239313.
Meckel-Gruber syndrome. Also called: Dysencephalia splachnocystica; DYSENCEPHALIA SPLANCHNOCYSTICA; GRUBER SYNDROME. Identifiers: Orphanet 564, MedGen C0265215, MONDO:0018921.
Joubert syndrome. Also called: JOUBERT-BOLTSHAUSER SYNDROME; Familial aplasia of the vermis. Identifiers: Orphanet 475, MedGen C5979921, MONDO:0018772.
Meckel syndrome, type 6. Identifiers: Orphanet 564, MedGen C2676790, MONDO:0012848, OMIM 612284.
Joubert syndrome 9 (JBTS9). Identifiers: Orphanet 2318, MedGen C2676788, MONDO:0012849, OMIM 612285.

Allele frequency attached by ClinVar (database versions not stated): ESP Exome Variant Server 0.00008; ExAC 0.00013; gnomAD 0.00014; gnomAD exomes 0.00015; 1000 Genomes Project 30x 0.00016; TOPMed 0.00017; 1000 Genomes Project 0.00020.
gnomAD v4.1: 477 of 1,613,584 alleles (0.03%); highest among the groups gnomAD compares: Non-Finnish European, 0.037%; no homozygotes.

Submissions (7):

PreventionGenetics, part of Exact Sciences
Classification: Likely benign for CC2D2A-related condition. Last evaluated: 2026-07-09. Review status: criteria provided, single submitter. Criteria: ACMG Guidelines, 2015. Collection method: clinical testing. Allele origin: germline.
Comment: This variant is classified as likely benign based on ACMG/AMP sequence variant interpretation guidelines (Richards et al. 2015 PMID: 25741868, with internal and published modifications).

Labcorp Genetics (formerly Invitae), Labcorp
Classification: Likely benign for Joubert syndrome; Meckel-Gruber syndrome. Last evaluated: 2026-01-26. Review status: criteria provided, single submitter. Criteria: Invitae Variant Classification Sherloc (09022015). Collection method: clinical testing. Allele origin: germline.

Blueprint Genetics
Classification: Likely benign. Last evaluated: 2024-03-12. Review status: criteria provided, single submitter. Criteria: ACMG Guidelines, 2015. Collection method: clinical testing. Allele origin: germline.

GeneDx
Classification: Likely benign. Last evaluated: 2019-11-27. Review status: criteria provided, single submitter. Criteria: GeneDx Variant Classification Process June 2021. Collection method: clinical testing. Allele origin: germline. Affected: yes.

Illumina Laboratory Services, Illumina
Classification: Uncertain significance for Meckel syndrome, type 6. Last evaluated: 2018-01-13. Review status: criteria provided, single submitter. Criteria: ICSL Variant Classification Criteria 13 December 2019. Collection method: clinical testing. Allele origin: germline.

Illumina Laboratory Services, Illumina
Classification: Uncertain significance for Joubert syndrome 9. Last evaluated: 2018-01-13. Review status: criteria provided, single submitter. Criteria: ICSL Variant Classification Criteria 13 December 2019. Collection method: clinical testing. Allele origin: germline.

Eurofins Ntd Llc (ga)
Classification: Uncertain significance. Last evaluated: 2017-01-16. Review status: criteria provided, single submitter. Criteria: EGL Classification Definitions 2015. Collection method: clinical testing. Allele origin: germline. Observed: 2 variant alleles, 2 heterozygotes.

NM_001378615.1(CC2D2A):c.1731G>A (p.Ser577=)

Genes: CC2D2A (coiled-coil and C2 domain containing 2A; plus strand), FBXL5 (F-box and leucine rich repeat protein 5; minus strand). Cytogenetic location: 4p15.32.
Variant type: single nucleotide variant.
Coding change: c.1731G>A on transcript NM_001378615.1 (MANE Select); coding-DNA position 1731, G replaced by A.
Protein change: p.Ser577=; no amino-acid change (serine 577 retained).
Molecular consequence: synonymous variant.
Genome position (GRCh38, 1-based): chr4:15,537,043, G>A. VCF-style: chr4-15537043-G-A. GRCh37 (hg19) VCF-style: chr4-15538666-G-A.
Other names: c.1731G>A, p.Ser577= (NM_001080522.2); c.1584G>A, p.Ser528= (NM_001378617.1).
Identifiers: ClinVar variation 347758 (VCV000347758.23), dbSNP rs376746356, ClinGen allele CA2863745.